The following is an entry in ClinVar:

NM_000346.4(SOX9):c.508_509dup (p.Asp171fs)

Gene: SOX9 (SRY-box transcription factor 9; plus strand). Cytogenetic location: 17q24.3.
Variant type: Duplication.
Coding change: c.508_509dup on transcript NM_000346.4 (MANE Select); coding-DNA positions 508 to 509, 2 bases duplicated (CC; older notation c.508_509dupCC).
Protein change: p.Asp171fs; shifts the reading frame from aspartic acid 171.
Molecular consequence: frameshift variant.
Genome position (GRCh38, 1-based): chr17:72,122,795-72,122,796, CC duplicated; duplicating any 2 consecutive bases within chr17:72,122,794-72,122,796 gives the same sequence; the c. name uses the placement nearest the transcript's 3' end. VCF-style (leftmost placement, unchanged base first): chr17-72122793-A-ACC. GRCh37 (hg19) VCF-style: chr17-70118934-A-ACC.
Other names: short protein forms D171fs.
Identifiers: ClinVar variation 4864966 (VCV004864966.1).

ClinVar aggregate classification (germline): Pathogenic (1 of 4 stars; one submission).

Conditions:
Inborn genetic diseases. Identifiers: MedGen C0950123, MeSH D030342.

Submission:

Ambry Genetics
Classification: Pathogenic for Inborn genetic diseases. Last evaluated: 2026-04-23. Review status: criteria provided, single submitter. Criteria: Ambry Variant Classification Scheme 2023. Collection method: clinical testing. Allele origin: germline.
Comment: The c.508_509dupCC (p.D171Rfs*13) alteration, located in exon 2 (coding exon 2) of the SOX9 gene, consists of a duplication of CC at position 508, causing a translational frameshift with a predicted alternate stop codon after 13 amino acids. This variant is expected to result in loss of function by premature protein truncation or nonsense-mediated mRNA decay. This variant was not reported in population-based cohorts in the Genome Aggregation Database (gnomAD). Based on the available evidence, this alteration is classified as pathogenic.